The following is an entry in ClinVar:

NM_001376256.1(CRYM):c.135C>A (p.Pro45=)

Genes: CRYM (crystallin mu; minus strand), LOC130058620 (ATAC-STARR-seq lymphoblastoid active region 10553; plus strand). Cytogenetic location: 16p12.2.
Variant type: single nucleotide variant.
Coding change: c.135C>A on transcript NM_001376256.1 (MANE Select); coding-DNA position 135, C replaced by A.
Protein change: p.Pro45=; no amino-acid change (proline 45 retained).
Molecular consequence: synonymous variant.
Genome position (GRCh38, 1-based): chr16:21,278,117, G>T on the plus strand (C>A on the coding strand, the complement: CRYM is on the minus strand). VCF-style: chr16-21278117-G-T. GRCh37 (hg19) VCF-style: chr16-21289438-G-T.
Other names: c.135C>A, p.Pro45= (NM_001888.5).
Identifiers: ClinVar variation 439560 (VCV000439560.8), dbSNP rs1180636969, ClinGen allele CA493868454.

ClinVar aggregate classification (germline): Likely benign (1 of 4 stars; one submission).

gnomAD v4.1: 2 of 1,548,650 alleles (0.00013%); highest among the groups gnomAD compares: East Asian, 0.0049%; no homozygotes.

Submission:

ARUP Laboratories, Molecular Genetics and Genomics, ARUP Laboratories
Classification: Likely benign. Last evaluated: 2017-05-24. Review status: criteria provided, single submitter. Criteria: ARUP Molecular Germline Variant Investigation Process. Collection method: clinical testing. Allele origin: germline.
Comment: The c.135C>A variant has not been previously associated with hearing loss and is rare in the general population, being absent from population databases such as 1000 Genomes, the NHLBI GO Exome Sequencing Project (ESP), and the Genome Aggregation Database (gnomAD) browser. However, this variant affects a weakly conserved nucleotide (Alamut software v 2.9), does not alter the amino acid sequence of CRYM protein, and is not predicted to alter